The following is an entry in ClinVar:

NM_001287.6(CLCN7):c.2368T>C (p.Tyr790His)

Gene: CLCN7 (chloride voltage-gated channel 7; minus strand). Cytogenetic location: 16p13.3.
Variant type: single nucleotide variant.
Coding change: c.2368T>C on transcript NM_001287.6 (MANE Select); coding-DNA position 2368, T replaced by C.
Protein change: p.Tyr790His; replaces tyrosine 790 with histidine.
Molecular consequence: missense variant.
Genome position (GRCh38, 1-based): chr16:1,446,681, A>G on the plus strand (T>C on the coding strand, the complement: CLCN7 is on the minus strand). VCF-style: chr16-1446681-A-G. GRCh37 (hg19) VCF-style: chr16-1496682-A-G.
Other names: c.2296T>C, p.Tyr766His (NM_001114331.3); short protein forms Y766H, Y790H.
Identifiers: ClinVar variation 2065077 (VCV002065077.4), dbSNP rs1443383234, ClinGen allele CA394184793.

ClinVar aggregate classification (germline): Uncertain significance (1 of 4 stars; one submission).

Allele frequency attached by ClinVar (database versions not stated): gnomAD exomes below 0.00001; TOPMed below 0.00001; gnomAD 0.00001.

Submission:

Labcorp Genetics (formerly Invitae), Labcorp
Classification: Uncertain significance. Last evaluated: 2021-12-29. Review status: criteria provided, single submitter. Criteria: Invitae Variant Classification Sherloc (09022015). Collection method: clinical testing. Allele origin: germline.
Comment: In summary, the available evidence is currently insufficient to determine the role of this variant in disease. Therefore, it has been classified as a Variant of Uncertain Significance. Algorithms developed to predict the effect of missense changes on protein structure and function (SIFT, PolyPhen-2, Align-GVGD) all suggest that this variant is likely to be disruptive. This variant has not been reported in the literature in individuals affected with CLCN7-related conditions. This variant is not present in population databases (gnomAD no frequency). This sequence change replaces tyrosine, which is neutral and polar, with histidine, which is basic and polar, at codon 790 of the CLCN7 protein (p.Tyr790His).